The following is an entry in ClinVar:

NM_003001.5(SDHC):c.67T>C (p.Cys23Arg)

Gene: SDHC (succinate dehydrogenase complex subunit C; plus strand). Cytogenetic location: 1q23.3.
Variant type: single nucleotide variant.
Coding change: c.67T>C on transcript NM_003001.5 (MANE Select); coding-DNA position 67, T replaced by C.
Protein change: p.Cys23Arg; replaces cysteine 23 with arginine.
Molecular consequence: missense variant. On other transcripts: 5 prime UTR variant (2), non-coding transcript variant (1), intron variant (4).
Genome position (GRCh38, 1-based): chr1:161,323,660, T>C. VCF-style: chr1-161323660-T-C. GRCh37 (hg19) VCF-style: chr1-161293450-T-C.
Other names: c.67T>C, p.Cys23Arg (NM_001035511.3, NM_001035512.3, NM_001278172.3 and 2 more transcripts); c.-45T>C (NM_001407119.1); c.-163T>C (NM_001407120.1); c.21-4736T>C (NM_001407116.1, NM_001407121.1, NM_001407117.1); c.20+9235T>C (NM_001035513.3); short protein forms C23R.
Identifiers: ClinVar variation 1464165 (VCV001464165.9), dbSNP rs2102295690, ClinGen allele CA343359589.
Genomic context (GRCh38, chr1:161,323,660, plus strand): 5'-CTCTTATCTTGCAGACACGTTGGTCGTCATTGCCTCCGAGCCCACTTTAGCCCTCAGCTC[T>C]GTATCAGAAAGTAAGTTTCTAAGTCTGGAGATTATTTATTTATTTTTTTTTTTGAGACGG-3'
Protein context (NP_002992.1, residues 13-33): CLRAHFSPQL[Cys23Arg]IRNAVPLGTT

ClinVar aggregate classification (germline): Uncertain significance (1 of 4 stars; one submission).

Conditions:
Gastrointestinal stromal tumor. Also called: Gastrointestinal stroma tumor; Gastrointestinal stromal tumor, somatic. Identifiers: Orphanet 44890, MedGen C0238198, MeSH D046152, MONDO:0011719, OMIM 606764, HP:0100723.
Pheochromocytoma/paraganglioma syndrome 3. Also called: GLOMUS TUMORS, FAMILIAL, 3; SDHC-Related Hereditary Paraganglioma-Pheochromocytoma Syndrome; Paragangliomas 3; SDHC-Related Hereditary Paraganglioma-Pheochromocytoma Syndrome (Paragangliomas 3). Identifiers: Orphanet 29072, MedGen C1854336, MONDO:0011544, OMIM 605373.

gnomAD v4.1: 1 of 1,612,080 alleles (0.000062%); no homozygotes.

Submission:

Labcorp Genetics (formerly Invitae), Labcorp
Classification: Uncertain significance for Pheochromocytoma/paraganglioma syndrome 3; Gastrointestinal stromal tumor. Last evaluated: 2023-03-31. Review status: criteria provided, single submitter. Criteria: Invitae Variant Classification Sherloc (09022015). Collection method: clinical testing. Allele origin: germline.
Comment: In summary, the available evidence is currently insufficient to determine the role of this variant in disease. Therefore, it has been classified as a Variant of Uncertain Significance. An algorithm developed to predict the effect of missense changes on protein structure and function (PolyPhen-2) suggests that this variant is likely to be tolerated. ClinVar contains an entry for this variant (Variation ID: 1464165). This variant has not been reported in the literature in individuals affected with SDHC-related conditions. This variant is not present in population databases (gnomAD no frequency). This sequence change replaces cysteine, which is neutral and slightly polar, with arginine, which is basic and polar, at codon 23 of the SDHC protein (p.Cys23Arg).